The following is an entry in ClinVar:

NM_000245.4(MET):c.3962A>G (p.His1321Arg)

Gene: MET (MET proto-oncogene, receptor tyrosine kinase; plus strand). Cytogenetic location: 7q31.2.
Variant type: single nucleotide variant.
Coding change: c.3962A>G on transcript NM_000245.4 (MANE Select); coding-DNA position 3962, A replaced by G.
Protein change: p.His1321Arg; replaces histidine 1321 with arginine.
Molecular consequence: missense variant.
Genome position (GRCh38, 1-based): chr7:116,795,913, A>G. VCF-style: chr7-116795913-A-G. GRCh37 (hg19) VCF-style: chr7-116435967-A-G.
Other names: c.4016A>G, p.His1339Arg (NM_001127500.3); c.2672A>G, p.His891Arg (NM_001324402.2); short protein forms H1321R, H1339R, H891R.
Identifiers: ClinVar variation 2612837 (VCV002612837.4), dbSNP rs1238983700, ClinGen allele CA369118105.

ClinVar aggregate classification (germline): Uncertain significance. Review status: criteria provided, multiple submitters, no conflicts (2 of 4 stars). 2 submissions from 2 submitters: Uncertain significance (2). Last evaluated 2025-11-02.

Conditions:
Renal cell carcinoma. Identifiers: Orphanet 217071, MedGen C0007134, MeSH D002292, MONDO:0005086, HP:0005584.
Hereditary cancer-predisposing syndrome. Also called: Tumor predisposition; Hereditary Cancer Syndrome; Hereditary neoplastic syndrome; Neoplastic Syndromes, Hereditary. Identifiers: Orphanet 140162, MedGen C0027672, MeSH D009386, MONDO:0015356.

Allele frequency attached by ClinVar (database versions not stated): TOPMed below 0.00001.

Submissions (2):

Ambry Genetics
Classification: Uncertain significance for Hereditary cancer-predisposing syndrome. Last evaluated: 2025-11-02. Review status: criteria provided, single submitter. Criteria: Ambry Variant Classification Scheme 2023. Collection method: clinical testing. Allele origin: germline.
Comment: The p.H1339R variant (also known as c.4016A>G), located in coding exon 20 of the MET gene, results from an A to G substitution at nucleotide position 4016. The histidine at codon 1339 is replaced by arginine, an amino acid with highly similar properties. This amino acid position is conserved. In addition, this alteration is predicted to be deleterious by in silico analysis. Since supporting evidence is limited at this time, the clinical significance of this alteration remains unclear.

Labcorp Genetics (formerly Invitae), Labcorp
Classification: Uncertain significance for Renal cell carcinoma. Last evaluated: 2025-11-01. Review status: criteria provided, single submitter. Criteria: Invitae Variant Classification Sherloc (09022015). Collection method: clinical testing. Allele origin: germline.
Comment: This sequence change replaces histidine, which is basic and polar, with arginine, which is basic and polar, at codon 1339 of the MET protein (p.His1339Arg). This variant is not present in population databases (gnomAD no frequency). This variant has not been reported in the literature in individuals affected with MET-related conditions. ClinVar contains an entry for this variant (Variation ID: 2612837). Invitae Evidence Modeling of protein sequence and biophysical properties (such as structural, functional, and spatial information, amino acid conservation, physicochemical variation, residue mobility, and thermodynamic stability) indicates that this missense variant is expected to disrupt MET protein function with a positive predictive value of 80%. In summary, the available evidence is currently insufficient to determine the role of this variant in disease. Therefore, it has been classified as a Variant of Uncertain Significance.